The following is an entry in ClinVar:

ClinVar aggregate classification (germline): Uncertain significance. Review status: criteria provided, multiple submitters, no conflicts (2 of 4 stars). 2 submissions from 2 submitters: Uncertain significance (2). Last evaluated 2025-10-12.

Conditions:
Axenfeld-Rieger syndrome type 3 (RIEG3). Also called: AXENFELD-RIEGER ANOMALY WITH CARDIAC DEFECTS AND/OR SENSORINEURAL HEARING LOSS. Identifiers: Orphanet 782, MedGen C2678503, MONDO:0011233, OMIM 602482.
Inborn genetic diseases. Identifiers: MedGen C0950123, MeSH D030342.

Allele frequency attached by ClinVar (database versions not stated): ExAC 0.00017.
gnomAD v4.1: 7 of 1,547,356 alleles (0.00045%); highest among the groups gnomAD compares: South Asian, 0.0059%; no homozygotes.

Submissions (2):

Labcorp Genetics (formerly Invitae), Labcorp
Classification: Uncertain significance for Axenfeld-Rieger syndrome type 3. Last evaluated: 2025-10-12. Review status: criteria provided, single submitter. Criteria: Invitae Variant Classification Sherloc (09022015). Collection method: clinical testing. Allele origin: germline.
Comment: This sequence change replaces alanine, which is neutral and non-polar, with valine, which is neutral and non-polar, at codon 33 of the FOXC1 protein (p.Ala33Val). This variant is present in population databases (rs771450858, gnomAD 0.008%). This variant has not been reported in the literature in individuals affected with FOXC1-related conditions. ClinVar contains an entry for this variant (Variation ID: 2611060). An algorithm developed to predict the effect of missense changes on protein structure and function (PolyPhen-2) suggests that this variant is likely to be tolerated. In summary, the available evidence is currently insufficient to determine the role of this variant in disease. Therefore, it has been classified as a Variant of Uncertain Significance.

Ambry Genetics
Classification: Uncertain significance for Inborn genetic diseases. Last evaluated: 2023-07-12. Review status: criteria provided, single submitter. Criteria: Ambry Variant Classification Scheme 2023. Collection method: clinical testing. Allele origin: germline.

NM_001453.3(FOXC1):c.98C>T (p.Ala33Val)

Gene: FOXC1 (forkhead box C1; plus strand). Cytogenetic location: 6p25.3.
Variant type: single nucleotide variant.
Coding change: c.98C>T on transcript NM_001453.3 (MANE Select); coding-DNA position 98, C replaced by T.
Protein change: p.Ala33Val; replaces alanine 33 with valine.
Molecular consequence: missense variant.
Genome position (GRCh38, 1-based): chr6:1,610,543, C>T. VCF-style: chr6-1610543-C-T. GRCh37 (hg19) VCF-style: chr6-1610778-C-T.
Other names: short protein forms A33V.
Identifiers: ClinVar variation 2611060 (VCV002611060.3), dbSNP rs771450858, ClinGen allele CA3614696.